The following is an entry in ClinVar:

NM_018669.6(WDR4):c.486T>G (p.Thr162=)

Gene: WDR4 (WDR4 tRNA N7-guanosine methyltransferase non-catalytic subunit; minus strand). Cytogenetic location: 21q22.3.
Variant type: single nucleotide variant.
Coding change: c.486T>G on transcript NM_018669.6 (MANE Select); coding-DNA position 486, T replaced by G.
Protein change: p.Thr162=; no amino-acid change (threonine 162 retained).
Molecular consequence: synonymous variant. On other transcripts: non-coding transcript variant (1).
Genome position (GRCh38, 1-based): chr21:42,862,362, A>C on the plus strand (T>G on the coding strand, the complement: WDR4 is on the minus strand). VCF-style: chr21-42862362-A-C. GRCh37 (hg19) VCF-style: chr21-44282472-A-C.
Other names: c.486T>G, p.Thr162= (NM_001260474.2, NM_033661.5); c.48T>G, p.Thr16= (NM_001260475.2, NM_001260476.2, NM_001260477.2 and 1 more transcripts); c.486T>G (NM_033661.4).
Identifiers: ClinVar variation 2144800 (VCV002144800.6), dbSNP rs781263221, ClinGen allele CA10046082.

ClinVar aggregate classification (germline): Likely benign. Review status: criteria provided, single submitter (1 of 4 stars). 2 submissions from 2 submitters: Likely benign (1). 1 of the submissions does not count toward it. Last evaluated 2026-01-04.

Conditions:
WDR4-related disorder. Also called: WDR4-related condition; WDR4-Related Disorders.

Allele frequency attached by ClinVar (database versions not stated): gnomAD 0.00002; gnomAD exomes 0.00002; TOPMed 0.00007; ExAC 0.00019.
gnomAD v4.1: 37 of 1,610,958 alleles (0.0023%); highest among the groups gnomAD compares: Admixed American, 0.06%; no homozygotes.

Submissions (2):

Labcorp Genetics (formerly Invitae), Labcorp
Classification: Likely benign. Last evaluated: 2026-01-04. Review status: criteria provided, single submitter. Criteria: Invitae Variant Classification Sherloc (09022015). Collection method: clinical testing. Allele origin: germline.

PreventionGenetics, part of Exact Sciences
Classification: Likely benign for WDR4-related condition. Last evaluated: 2019-12-23. Review status: no assertion criteria provided. Collection method: clinical testing. Allele origin: germline. Not counted in ClinVar's aggregate classification.
Comment: This variant is classified as likely benign based on ACMG/AMP sequence variant interpretation guidelines (Richards et al. 2015 PMID: 25741868, with internal and published modifications).